The following is an entry in ClinVar:

NM_052874.5(STX1B):c.848G>C (p.Gly283Ala)

Gene: STX1B (syntaxin 1B; minus strand). Cytogenetic location: 16p11.2.
Variant type: single nucleotide variant.
Coding change: c.848G>C on transcript NM_052874.5 (MANE Select); coding-DNA position 848, G replaced by C.
Protein change: p.Gly283Ala; replaces glycine 283 with alanine.
Molecular consequence: missense variant.
Genome position (GRCh38, 1-based): chr16:30,992,840, C>G on the plus strand (G>C on the coding strand, the complement: STX1B is on the minus strand). VCF-style: chr16-30992840-C-G. GRCh37 (hg19) VCF-style: chr16-31004161-C-G.
Other names: c.848G>C (NM_052874.4); short protein forms G283A.
Identifiers: ClinVar variation 2529653 (VCV002529653.4), dbSNP rs773649592, ClinGen allele CA280568110.

ClinVar aggregate classification (germline): Uncertain significance. Review status: criteria provided, single submitter (1 of 4 stars). 2 submissions from 2 submitters: Uncertain significance (1). 1 of the submissions does not count toward it. Last evaluated 2023-03-24.

Conditions:
Inborn genetic diseases. Identifiers: MedGen C0950123, MeSH D030342.
STX1B-related disorder. Also called: STX1B-related condition.

Allele frequency attached by ClinVar (database versions not stated): TOPMed below 0.00001.
gnomAD v4.1: 7 of 1,613,498 alleles (0.00043%); highest among the groups gnomAD compares: South Asian, 0.0011%; no homozygotes.

Submissions (2):

Ambry Genetics
Classification: Uncertain significance for Inborn genetic diseases. Last evaluated: 2023-03-24. Review status: criteria provided, single submitter. Criteria: Ambry Variant Classification Scheme 2023. Collection method: clinical testing. Allele origin: germline.

PreventionGenetics, part of Exact Sciences
Classification: Uncertain significance for STX1B-related condition. Last evaluated: 2024-01-05. Review status: no assertion criteria provided. Collection method: clinical testing. Allele origin: germline. Not counted in ClinVar's aggregate classification.
Comment: The STX1B c.848G>C variant is predicted to result in the amino acid substitution p.Gly283Ala. To our knowledge, this variant has not been reported in the literature. This variant is reported in 0.00089% of alleles in individuals of European (Non-Finnish) descent in gnomAD. At this time, the clinical significance of this variant is uncertain due to the absence of conclusive functional and genetic evidence.